The following is an entry in ClinVar:

ClinVar aggregate classification (germline): Pathogenic/Likely pathogenic. Review status: criteria provided, multiple submitters, no conflicts (2 of 4 stars). 2 submissions from 2 submitters: Pathogenic (1); Likely pathogenic (1). Last evaluated 2024-08-13.

Conditions:
Lethal congenital contractural syndrome Finnish type.

Submissions (2):

Natera, Inc.
Classification: Likely pathogenic for Lethal congenital contractural syndrome Finnish type. Last evaluated: 2024-08-13. Review status: criteria provided, single submitter. Criteria: Natera Variant Classification Schema (03/2026). Collection method: clinical testing. Allele origin: germline.
Comment: The c.1135del variant in GLE1 is a frameshift variant predicted to shift the reading frame beginning at codon 379 and leads to a stop codon 2 codons downstream. This variant is expected to result in nonsense mediated decay, truncation, or a dysfunctional protein product. This variant is rare in the general population with a frequency below the threshold expected for the associated phenotype(s). Given the available evidence, this variant is classified as Likely Pathogenic.

Labcorp Genetics (formerly Invitae), Labcorp
Classification: Pathogenic. Last evaluated: 2020-05-21. Review status: criteria provided, single submitter. Criteria: Invitae Variant Classification Sherloc (09022015). Collection method: clinical testing. Allele origin: germline.
Comment: For these reasons, this variant has been classified as Pathogenic. Loss-of-function variants in GLE1 are known to be pathogenic (PMID: 18204449, 24243016, 27684565). This variant has not been reported in the literature in individuals with GLE1-related conditions. This variant is not present in population databases (ExAC no frequency). This sequence change creates a premature translational stop signal (p.Gln379Argfs*2) in the GLE1 gene. It is expected to result in an absent or disrupted protein product.

Literature cited by the submitters: PubMed 18204449 (cited by Labcorp Genetics (formerly Invitae), Labcorp); PubMed 24243016 (cited by Labcorp Genetics (formerly Invitae), Labcorp); PubMed 27684565 (cited by Labcorp Genetics (formerly Invitae), Labcorp).

NM_001003722.2(GLE1):c.1135del (p.Gln379fs)

Gene: GLE1 (GLE1 RNA export mediator; plus strand). Cytogenetic location: 9q34.11.
Variant type: Deletion.
Coding change: c.1135del on transcript NM_001003722.2 (MANE Select); coding-DNA position 1135, one base deleted (C; older notation c.1135delC).
Protein change: p.Gln379fs; shifts the reading frame from glutamine 379.
Molecular consequence: frameshift variant.
Genome position (GRCh38, 1-based): chr9:128,527,184, C deleted; the last of 2 consecutive C bases (chr9:128,527,183-128,527,184); deleting either gives the same sequence. VCF-style (leftmost placement, unchanged base first): chr9-128527182-TC-T. GRCh37 (hg19) VCF-style: chr9-131289461-TC-T.
Other names: c.1135del (NM_001003722.1); c.1135del, p.Gln379fs (NM_001499.2); short protein forms Q379fs.
Identifiers: ClinVar variation 1070794 (VCV001070794.8), dbSNP rs1847324956, ClinGen allele CA1880322360.
Genomic context (GRCh38, chr9:128,527,182, plus strand): 5'-CATATTACATGTTCAGTAAATACTAGCTATTACTAAAACCTCTCTTTTATTTCTCAGACC[TC>T]CAGGTGAAGGTACAAGACATTACAATGCAGTGGTACCAGCAGCTGCAGGATGCTTCCATG-3'